The following is an entry in ClinVar:

ClinVar aggregate classification (germline): Pathogenic/Likely pathogenic. Review status: criteria provided, multiple submitters, no conflicts (2 of 4 stars). 9 submissions from 9 submitters: Pathogenic (4); Likely pathogenic (4). 1 of the submissions does not count toward it. Last evaluated 2026-02-26.

Conditions:
Leber congenital amaurosis 4 (LCA4). Identifiers: MedGen C1858386, MONDO:0011458, OMIM 604393.
Retinitis pigmentosa (RP). Identifiers: Orphanet 791, MedGen C0035334, MeSH D012174, MONDO:0019200, OMIM 268000. Inheritance: Autosomal dominant, autosomal recessive and X linked inheritance.
Leber congenital amaurosis (LCA). Also called: Leber's amaurosis. Identifiers: Orphanet 65, MedGen C0339527, MeSH D057130, MONDO:0018998.
AIPL1-related disorder. Also called: AIPL1-related condition; AIPL1-related disorders. Identifiers: MedGen CN239169.

Allele frequency attached by ClinVar (database versions not stated): TOPMed 0.00003; ESP Exome Variant Server 0.00008; gnomAD exomes below 0.00001; ExAC 0.00001; gnomAD 0.00001.
gnomAD v4.1: 63 of 1,613,454 alleles (0.0039%); highest among the groups gnomAD compares: Non-Finnish European, 0.0053%; no homozygotes.

Submissions (9):

GeneDx
Classification: Likely pathogenic. Last evaluated: 2026-02-26. Review status: criteria provided, single submitter. Criteria: GeneDx Variant Classification Process June 2021. Collection method: clinical testing. Allele origin: germline.
Comment: In silico analysis supports that this missense variant has a deleterious effect on protein structure/function; Not observed at significant frequency in large population cohorts (gnomAD); This variant is associated with the following publications: (PMID: 31964843, 33067476, 20702822, 21474771, 32531858, 36819107, 36460718, 34906470, 39843441)

Labcorp Genetics (formerly Invitae), Labcorp
Classification: Pathogenic for Leber congenital amaurosis 4. Last evaluated: 2025-09-15. Review status: criteria provided, single submitter. Criteria: Invitae Variant Classification Sherloc (09022015). Collection method: clinical testing. Allele origin: germline.
Comment: This sequence change replaces glycine, which is neutral and non-polar, with arginine, which is basic and polar, at codon 122 of the AIPL1 protein (p.Gly122Arg). This variant is present in population databases (rs201883601, gnomAD 0.0009%). This missense change has been observed in individuals with inherited retinal dystrophy (IRD). This variant may be associated with a later onset or milder form of retinal dystrophy than is typical for AIPL1 (PMID: 20702822, 21474771, 29641573, 33067476). ClinVar contains an entry for this variant (Variation ID: 870936). Invitae Evidence Modeling of protein sequence and biophysical properties (such as structural, functional, and spatial information, amino acid conservation, physicochemical variation, residue mobility, and thermodynamic stability) indicates that this missense variant is expected to disrupt AIPL1 protein function with a positive predictive value of 95%. Experimental studies have shown that this missense change affects AIPL1 function (PMID: 33067476). For these reasons, this variant has been classified as Pathogenic.

3billion
Classification: Pathogenic for Leber congenital amaurosis 4. Last evaluated: 2025-08-05. Review status: criteria provided, single submitter. Criteria: ACMG Guidelines, 2015. Collection method: clinical testing. Allele origin: germline. Affected: yes.
Comment: The variant is observed at an extremely low frequency in the gnomAD v4.1.0 dataset (total allele frequency: 0.004%). Predicted Consequence/Location: Missense variant Functional studies provide supporting evidence of the variant having a damaging effect on the gene or gene product (PMID: 33067476). In silico tool predictions suggest damaging effect of the variant on gene or gene product [REVEL: 0.85 (>=0.6, sensitivity 0.68 and specificity 0.92); 3Cnet: 0.36 (> 0.75, sensitivity 0.96 and precision 0.92)]. The same nucleotide change resulting in the same amino acid change has been previously reported as pathogenic/likely pathogenic with strong evidence (ClinVar ID: VCV000870936 /PMID: 29641573 /3billion dataset). The variant has been reported to be in trans with a pathogenic variant as either compound heterozygous or homozygous in at least one similarly affected unrelated individual (PMID: 20702822, 21474771). Therefore, this variant is classified as Pathogenic according to the recommendation of ACMG/AMP guideline.

Blueprint Genetics
Classification: Pathogenic for AIPL1-related disorders. Last evaluated: 2023-11-28. Review status: criteria provided, single submitter. Criteria: ACMG Guidelines, 2015. Collection method: clinical testing. Allele origin: germline. Affected: yes. Observed: 5 variant alleles.

Women's Health and Genetics/Laboratory Corporation of America, LabCorp
Classification: Likely pathogenic for Leber congenital amaurosis. Last evaluated: 2022-03-28. Review status: criteria provided, single submitter. Criteria: LabCorp Variant Classification Summary - May 2015. Collection method: clinical testing. Allele origin: germline.
Comment: Variant summary: AIPL1 c.364G>C (p.Gly122Arg) results in a non-conservative amino acid change in the encoded protein sequence. Five of five in-silico tools predict a damaging effect of the variant on protein function. The variant allele was found at a frequency of 4e-06 in 250732 control chromosomes (gnomAD). c.364G>C has been reported in the literature in individuals affected with Retinal Degeneration (Jacobson_2011, Weisschuh_2020, Sacristan-Reviriego_2020). In addition, a different variant (c.364G>A) with the same coding effect (G122R) was also found in individuals affected with Retinal Degeneration and Leber congenital amaurosis 4, including one homozygote (Testa_2011, Sacristan-Reviriego_2020). These data indicate that the variant is likely to be associated with disease. At least one functional study reports experimental evidence evaluating an impact on protein function and showed no damaging effect of this variant (Sacristan-Reviriego_2020). Four ClinVar submitters (evaluation after 2014) cite the variant as pathogenic (n=1), likely pathogenic (n=2) and uncertain significance (n=1). Based on the evidence outlined above, the variant was classified as likely pathogenic.

Fulgent Genetics
Classification: Likely pathogenic for Retinitis pigmentosa; Leber congenital amaurosis 4. Last evaluated: 2021-11-11. Review status: criteria provided, single submitter. Criteria: ACMG Guidelines, 2015. Collection method: clinical testing. Allele origin: unknown.

Ocular Genomics Institute, Massachusetts Eye and Ear
Classification: Likely pathogenic for Leber congenital amaurosis 4. Last evaluated: 2021-04-08. Review status: criteria provided, single submitter. Criteria: ACMG Guidelines, 2015. Collection method: research. Allele origin: germline. Affected: yes.
Comment: Through a review of available evidence we were able to apply the following criteria: PM2, PP3, PS3. Based on this evidence we have classified this variant as Likely Pathogenic.

CeGaT Center for Human Genetics Tuebingen
Classification: Pathogenic. Last evaluated: 2017-10-01. Review status: criteria provided, single submitter. Criteria: CeGaT Center For Human Genetics Tuebingen Variant Classification Criteria Version 2. Collection method: clinical testing. Allele origin: germline. Affected: yes. Observed: 1 variant allele.

Laboratory of Genetics in Ophthalmology, Institut Imagine
Classification: Pathogenic for Leber congenital amaurosis 4. Review status: no assertion criteria provided. Collection method: research. Allele origin: inherited. Affected: yes. Observed: 1 variant allele. Not counted in ClinVar's aggregate classification.

Literature cited by the submitters: PubMed 20702822 (cited by 4 submitters); PubMed 21474771 (cited by 5 submitters); PubMed 29641573 (cited by Labcorp Genetics (formerly Invitae), Labcorp and 3billion); PubMed 33067476 (cited by 3 submitters); PubMed 32531858 (cited by Women's Health and Genetics/Laboratory Corporation of America, LabCorp).

NM_014336.5(AIPL1):c.364G>C (p.Gly122Arg)

Gene: AIPL1 (AIP like 1 HSP90 co-chaperone; minus strand). Cytogenetic location: 17p13.2.
Variant type: single nucleotide variant.
Coding change: c.364G>C on transcript NM_014336.5 (MANE Select); coding-DNA position 364, G replaced by C.
Protein change: p.Gly122Arg; replaces glycine 122 with arginine.
Molecular consequence: missense variant. On other transcripts: intron variant (1).
Genome position (GRCh38, 1-based): chr17:6,428,419, C>G on the plus strand (G>C on the coding strand, the complement: AIPL1 is on the minus strand). VCF-style: chr17-6428419-C-G. GRCh37 (hg19) VCF-style: chr17-6331739-C-G.
Other names: c.364G>C (NM_014336.4); c.184G>C, p.Gly62Arg (NM_001033055.3); c.328G>C, p.Gly110Arg (NM_001285399.3); c.298G>C, p.Gly100Arg (NM_001285400.3); c.364G>C, p.Gly122Arg (NM_001285401.3, NM_001285403.4); c.247G>C, p.Gly83Arg (NM_001285402.2); c.277-1362G>C (NM_001033054.3); short protein forms G100R, G122R, G62R, G83R, G110R.
Identifiers: ClinVar variation 870936 (VCV000870936.58), dbSNP rs201883601, ClinGen allele CA8328532.